The following is an entry in ClinVar:

NM_001371986.1(UNC80):c.1609G>A (p.Ala537Thr)

Gene: UNC80 (unc-80 subunit of NALCN channel complex; plus strand). Cytogenetic location: 2q34.
Variant type: single nucleotide variant.
Coding change: c.1609G>A on transcript NM_001371986.1 (MANE Select); coding-DNA position 1609, G replaced by A.
Protein change: p.Ala537Thr; replaces alanine 537 with threonine.
Molecular consequence: missense variant.
Genome position (GRCh38, 1-based): chr2:209,817,868, G>A. VCF-style: chr2-209817868-G-A. GRCh37 (hg19) VCF-style: chr2-210682592-G-A.
Other names: c.1609G>A, p.Ala537Thr (NM_032504.2, NM_182587.4); c.1609G>A (NM_032504.1); short protein forms A537T.
Identifiers: ClinVar variation 1475450 (VCV001475450.9), dbSNP rs1039801430, ClinGen allele CA64667136.
Genomic context (GRCh38, chr2:209,817,868, plus strand): 5'-CCAGGGAAATTGACCCGGCGAGGCAGTTCAGATGCAGCCACTGAGATGGAGAGTCTGAGC[G>A]CCAGGCATTCCCACTCCCATCACACCCTGGTAAGCGACCTGCCGGACCCCTCCAACAGCC-3'
Protein context (NP_001358915.1, residues 527-547): DAATEMESLS[Ala537Thr]RHSHSHHTLV

ClinVar aggregate classification (germline): Uncertain significance. Review status: criteria provided, multiple submitters, no conflicts (2 of 4 stars). 4 submissions from 4 submitters: Uncertain significance (3). 1 of the submissions does not count toward it. Last evaluated 2025-12-14.

Conditions:
Inborn genetic diseases. Identifiers: MedGen C0950123, MeSH D030342.
UNC80-related persistent hypotonia, encephalopathy, growth retardation, and severe intellectual disability.
UNC80-related disorder. Also called: UNC80-related condition.

Allele frequency attached by ClinVar (database versions not stated): gnomAD exomes 0.00003; gnomAD 0.00007 and 0.00006; TOPMed 0.00003.
gnomAD v4.1: 47 of 1,551,628 alleles (0.003%); highest among the groups gnomAD compares: Admixed American, 0.02%; no homozygotes.

Submissions (4):

Dasa
Classification: Uncertain significance for UNC80-related persistent hypotonia, encephalopathy, growth retardation, and severe intellectual disability. Last evaluated: 2025-12-14. Review status: criteria provided, single submitter. Criteria: DASA Assertion Criteria. Collection method: clinical testing. Allele origin: germline.
Comment: NM_001371986.1(UNC80):c.1609G>A (p.Ala537Thr) is a missense variant that results in the substitution of alanine with threonine. This variant is rare in population databases. Computational prediction algorithms are consistent with a benign effect. The currently available literature and clinical evidence are not sufficient to establish a definitive association between this variant and the reported condition. Therefore, this variant is classified as a variant of uncertain significance.

Ambry Genetics
Classification: Uncertain significance for Inborn genetic diseases. Last evaluated: 2025-08-26. Review status: criteria provided, single submitter. Criteria: Ambry Variant Classification Scheme 2023. Collection method: clinical testing. Allele origin: germline.

Labcorp Genetics (formerly Invitae), Labcorp
Classification: Uncertain significance. Last evaluated: 2022-07-19. Review status: criteria provided, single submitter. Criteria: Invitae Variant Classification Sherloc (09022015). Collection method: clinical testing. Allele origin: germline.
Comment: This sequence change replaces alanine, which is neutral and non-polar, with threonine, which is neutral and polar, at codon 537 of the UNC80 protein (p.Ala537Thr). This variant is present in population databases (no rsID available, gnomAD 0.02%). This variant has not been reported in the literature in individuals affected with UNC80-related conditions. ClinVar contains an entry for this variant (Variation ID: 1475450). Algorithms developed to predict the effect of missense changes on protein structure and function output the following: SIFT: "Not Available"; PolyPhen-2: "Benign"; Align-GVGD: "Not Available". The threonine amino acid residue is found in multiple mammalian species, which suggests that this missense change does not adversely affect protein function. In summary, the available evidence is currently insufficient to determine the role of this variant in disease. Therefore, it has been classified as a Variant of Uncertain Significance.

PreventionGenetics, part of Exact Sciences
Classification: Uncertain significance for UNC80-related condition. Last evaluated: 2024-07-01. Review status: no assertion criteria provided. Collection method: clinical testing. Allele origin: germline. Not counted in ClinVar's aggregate classification.
Comment: The UNC80 c.1609G>A variant is predicted to result in the amino acid substitution p.Ala537Thr. To our knowledge, this variant has not been reported in the literature. This variant is reported in 0.016% of alleles in individuals of Latino descent in gnomAD. At this time, the clinical significance of this variant is uncertain due to the absence of conclusive functional and genetic evidence.